The following is an entry in ClinVar:

ClinVar aggregate classification (germline): Uncertain significance (1 of 4 stars; one submission).

Conditions:
Retinitis pigmentosa 71 (RP71). Identifiers: Orphanet 791, MedGen C4225342, MONDO:0014618, OMIM 616394.
Short-rib thoracic dysplasia 10 with or without polydactyly (SRTD10). Identifiers: Orphanet 474, MedGen C3810175, MONDO:0014284, OMIM 615630.

Allele frequency attached by ClinVar (database versions not stated): gnomAD 0.00001; gnomAD exomes 0.00001 and 0.00002; TOPMed 0.00001; ExAC 0.00002.
gnomAD v4.1: 14 of 1,614,014 alleles (0.00087%); highest among the groups gnomAD compares: South Asian, 0.0033%; no homozygotes.

Submission:

Labcorp Genetics (formerly Invitae), Labcorp
Classification: Uncertain significance for Retinitis pigmentosa 71; Short-rib thoracic dysplasia 10 with or without polydactyly. Last evaluated: 2021-08-27. Review status: criteria provided, single submitter. Criteria: Invitae Variant Classification Sherloc (09022015). Collection method: clinical testing. Allele origin: germline.
Comment: This sequence change replaces arginine with histidine at codon 1294 of the IFT172 protein (p.Arg1294His). The arginine residue is moderately conserved and there is a small physicochemical difference between arginine and histidine. This variant is present in population databases (no rsID available, ExAC 0.003%). This variant has not been reported in the literature in individuals affected with IFT172-related conditions. Algorithms developed to predict the effect of missense changes on protein structure and function are either unavailable or do not agree on the potential impact of this missense change (SIFT: "Deleterious"; PolyPhen-2: "Benign"; Align-GVGD: "Class C0"). In summary, the available evidence is currently insufficient to determine the role of this variant in disease. Therefore, it has been classified as a Variant of Uncertain Significance.

NM_015662.3(IFT172):c.3881G>A (p.Arg1294His)

Genes: IFT172 (intraflagellar transport 172; minus strand), LOC126806173 (BRD4-independent group 4 enhancer GRCh37_chr2:27676057-27677256; plus strand). Cytogenetic location: 2p23.3.
Variant type: single nucleotide variant.
Coding change: c.3881G>A on transcript NM_015662.3 (MANE Select); coding-DNA position 3881, G replaced by A.
Protein change: p.Arg1294His; replaces arginine 1294 with histidine.
Molecular consequence: missense variant.
Genome position (GRCh38, 1-based): chr2:27,453,454, C>T on the plus strand (G>A on the coding strand, the complement: IFT172 is on the minus strand). VCF-style: chr2-27453454-C-T. GRCh37 (hg19) VCF-style: chr2-27676321-C-T.
Other names: short protein forms R1294H.
Identifiers: ClinVar variation 1503781 (VCV001503781.5), dbSNP rs947637366, ClinGen allele CA1579832.